The following is an entry in ClinVar:

NM_001378457.1(DMXL2):c.1328A>G (p.His443Arg)

Gene: DMXL2 (Dmx like 2; minus strand). Cytogenetic location: 15q21.2.
Variant type: single nucleotide variant.
Coding change: c.1328A>G on transcript NM_001378457.1 (MANE Select); coding-DNA position 1328, A replaced by G.
Protein change: p.His443Arg; replaces histidine 443 with arginine.
Molecular consequence: missense variant. On other transcripts: non-coding transcript variant (2), intron variant (1).
Genome position (GRCh38, 1-based): chr15:51,538,230, T>C on the plus strand (A>G on the coding strand, the complement: DMXL2 is on the minus strand). VCF-style: chr15-51538230-T-C. GRCh37 (hg19) VCF-style: chr15-51830427-T-C.
Other names: c.1328A>G, p.His443Arg (NM_001174116.3, NM_001174117.3, NM_001378458.1 and 6 more transcripts); c.1106-471A>G (NM_001378464.1); short protein forms H443R.
Identifiers: ClinVar variation 2037110 (VCV002037110.2), dbSNP rs768743369, ClinGen allele CA7562622.
Genomic context (GRCh38, chr15:51,538,230, plus strand): 5'-TGTTAACTTTGGAGTAAGTAAAATCTGAACACAGGATACTAACCATGGTCTAATTTCATA[T>C]GTAAACCCCGTTCTCTATCCTCCTGTGAATGTTCCTCATCTTCTCTATCTGCATCATCAT-3'
Protein context (NP_001365386.1, residues 433-453): HSQEDRERGL[His443Arg]MKLDHDLSLD

ClinVar aggregate classification (germline): Uncertain significance (1 of 4 stars; one submission).

Allele frequency attached by ClinVar (database versions not stated): TOPMed below 0.00001; gnomAD 0.00001; gnomAD exomes 0.00001; ExAC 0.00002.
gnomAD v4.1: 19 of 1,613,134 alleles (0.0012%); highest among the groups gnomAD compares: East Asian, 0.0022%; no homozygotes.

Submission:

Labcorp Genetics (formerly Invitae), Labcorp
Classification: Uncertain significance. Last evaluated: 2022-04-11. Review status: criteria provided, single submitter. Criteria: Invitae Variant Classification Sherloc (09022015). Collection method: clinical testing. Allele origin: germline.
Comment: This sequence change replaces histidine, which is basic and polar, with arginine, which is basic and polar, at codon 443 of the DMXL2 protein (p.His443Arg). This variant is present in population databases (rs768743369, gnomAD 0.004%). This variant has not been reported in the literature in individuals affected with DMXL2-related conditions. Algorithms developed to predict the effect of missense changes on protein structure and function output the following: SIFT: "Tolerated"; PolyPhen-2: "Benign"; Align-GVGD: "Class C0". The arginine amino acid residue is found in multiple mammalian species, which suggests that this missense change does not adversely affect protein function. In summary, the available evidence is currently insufficient to determine the role of this variant in disease. Therefore, it has been classified as a Variant of Uncertain Significance.